The following is an entry in ClinVar:

NM_177972.3(TUB):c.629C>T (p.Ser210Phe)

Genes: RIC3 (RIC3 acetylcholine receptor chaperone; minus strand), TUB (TUB bipartite transcription factor; plus strand). Cytogenetic location: 11p15.4.
Variant type: single nucleotide variant.
Coding change: c.629C>T on transcript NM_177972.3 (MANE Select); coding-DNA position 629, C replaced by T.
Protein change: p.Ser210Phe; replaces serine 210 with phenylalanine.
Molecular consequence: missense variant.
Genome position (GRCh38, 1-based): chr11:8,096,748, C>T. VCF-style: chr11-8096748-C-T. GRCh37 (hg19) VCF-style: chr11-8118295-C-T.
Other names: c.794C>T, p.Ser265Phe (NM_003320.5); short protein forms S210F, S265F.
Identifiers: ClinVar variation 3350630 (VCV003350630.1).
Genomic context (GRCh38, chr11:8,096,748, plus strand): 5'-TCTCCAGCAGCATGAGCTTTGACGAGGATGAGGAGGATGAGGAGGAGAATAGCTCCAGCT[C>T]CTCCCAGCTAAATAGTAACACCCGCCCCAGCTCTGCTACTAGCAGGAAGTCCGTCAGGGT-3'
Protein context (NP_813977.1, residues 200-220): EEDEEENSSS[Ser210Phe]SQLNSNTRPS

ClinVar aggregate classification (germline): Uncertain significance (0 of 4 stars; one submission).

Conditions:
TUB-related disorder. Also called: TUB-related condition.

gnomAD v4.1: 2 of 1,614,124 alleles (0.00012%); highest among the groups gnomAD compares: Non-Finnish European, 0.00017%; no homozygotes.

Submission:

PreventionGenetics, part of Exact Sciences
Classification: Uncertain significance for TUB-related condition. Last evaluated: 2024-08-29. Review status: no assertion criteria provided. Collection method: clinical testing. Allele origin: germline.
Comment: The TUB c.794C>T variant is predicted to result in the amino acid substitution p.Ser265Phe. To our knowledge, this variant has not been reported in the literature or in a large population database, indicating this variant is rare. At this time, the clinical significance of this variant is uncertain due to the absence of conclusive functional and genetic evidence.